The following is an entry in ClinVar:

NM_001323289.2(CDKL5):c.404A>T (p.Asp135Val)

Gene: CDKL5 (cyclin dependent kinase like 5; plus strand). Cytogenetic location: Xp22.13.
Variant type: single nucleotide variant.
Coding change: c.404A>T on transcript NM_001323289.2 (MANE Select); coding-DNA position 404, A replaced by T.
Protein change: p.Asp135Val; replaces aspartic acid 135 with valine.
Molecular consequence: missense variant.
Genome position (GRCh38, 1-based): chrX:18,581,891, A>T. VCF-style: chrX-18581891-A-T. GRCh37 (hg19) VCF-style: chrX-18600011-A-T.
Other names: c.404A>T, p.Asp135Val (NM_001037343.2, NM_003159.3); short protein forms D135V.
Identifiers: ClinVar variation 593574 (VCV000593574.9), dbSNP rs1569214316, ClinGen allele CA412350703.

ClinVar aggregate classification (germline): Uncertain significance. Review status: criteria provided, multiple submitters, no conflicts (2 of 4 stars). 2 submissions from 2 submitters: Uncertain significance (2). Last evaluated 2023-05-23.

Conditions:
Angelman syndrome-like. Identifiers: MedGen CN128785.
Developmental and epileptic encephalopathy, 2 (DEE2). Also called: INFANTILE SPASM SYNDROME, X-LINKED 2; CDKL5 deficiency disorder. Identifiers: Orphanet 1934, Orphanet 3451, Orphanet 505652, MedGen C4750718, MONDO:0010396, OMIM 300672.

Submissions (3):

Labcorp Genetics (formerly Invitae), Labcorp
Classification: Uncertain significance for Developmental and epileptic encephalopathy, 2; Angelman syndrome-like. Last evaluated: 2023-05-23. Review status: criteria provided, single submitter. Criteria: Invitae Variant Classification Sherloc (09022015). Collection method: clinical testing. Allele origin: germline.
Comment: This sequence change replaces aspartic acid, which is acidic and polar, with valine, which is neutral and non-polar, at codon 135 of the CDKL5 protein (p.Asp135Val). This variant is not present in population databases (gnomAD no frequency). This variant has not been reported in the literature in individuals affected with CDKL5-related conditions. ClinVar contains an entry for this variant (Variation ID: 593574). An algorithm developed to predict the effect of missense changes on protein structure and function (PolyPhen-2) suggests that this variant is likely to be disruptive. In summary, the available evidence is currently insufficient to determine the role of this variant in disease. Therefore, it has been classified as a Variant of Uncertain Significance.

Eurofins Ntd Llc (ga)
Classification: Uncertain significance. Last evaluated: 2017-08-16. Review status: criteria provided, single submitter. Criteria: EGL Classification Definitions 2015. Collection method: clinical testing. Allele origin: germline. Observed: 1 variant allele, 1 heterozygote.

Dr. Peter K. Rogan Lab, Western University
No classification provided (evidence only). Condition: Thyroid cancer, nonmedullary, 1. Review status: no classification provided. Collection method: in vitro. Allele origin: not applicable. Functional consequence: retained intron. Not counted in ClinVar's aggregate classification.